The following is an entry in ClinVar:

ClinVar aggregate classification (germline): Uncertain significance (1 of 4 stars; one submission).

Allele frequency attached by ClinVar (database versions not stated): gnomAD 0.00001; gnomAD exomes 0.00002; ExAC 0.00004.
gnomAD v4.1: 32 of 1,613,928 alleles (0.002%); highest among the groups gnomAD compares: South Asian, 0.0044%; no homozygotes.

Submission:

Labcorp Genetics (formerly Invitae), Labcorp
Classification: Uncertain significance. Last evaluated: 2023-01-23. Review status: criteria provided, single submitter. Criteria: Invitae Variant Classification Sherloc (09022015). Collection method: clinical testing. Allele origin: germline.
Comment: In summary, the available evidence is currently insufficient to determine the role of this variant in disease. Therefore, it has been classified as a Variant of Uncertain Significance. Advanced modeling of protein sequence and biophysical properties (such as structural, functional, and spatial information, amino acid conservation, physicochemical variation, residue mobility, and thermodynamic stability) performed at Invitae indicates that this missense variant is not expected to disrupt ANLN protein function. This variant has not been reported in the literature in individuals affected with ANLN-related conditions. This variant is present in population databases (rs764945284, gnomAD 0.007%). This sequence change replaces arginine, which is basic and polar, with histidine, which is basic and polar, at codon 391 of the ANLN protein (p.Arg391His).

NM_018685.5(ANLN):c.1172G>A (p.Arg391His)

Gene: ANLN (anillin, actin binding protein; plus strand). Cytogenetic location: 7p14.2.
Variant type: single nucleotide variant.
Coding change: c.1172G>A on transcript NM_018685.5 (MANE Select); coding-DNA position 1172, G replaced by A.
Protein change: p.Arg391His; replaces arginine 391 with histidine.
Molecular consequence: missense variant.
Genome position (GRCh38, 1-based): chr7:36,410,589, G>A. VCF-style: chr7-36410589-G-A. GRCh37 (hg19) VCF-style: chr7-36450198-G-A.
Other names: c.1172G>A, p.Arg391His (NM_001284301.3, NM_001284302.3); short protein forms R391H.
Identifiers: ClinVar variation 2961079 (VCV002961079.3), dbSNP rs764945284, ClinGen allele CA4219524.